The following is an entry in ClinVar:

NM_000709.4(BCKDHA):c.124C>T (p.Gln42Ter)

Gene: BCKDHA (branched chain keto acid dehydrogenase E1 subunit alpha; plus strand). Cytogenetic location: 19q13.2.
Variant type: single nucleotide variant.
Coding change: c.124C>T on transcript NM_000709.4 (MANE Select); coding-DNA position 124, C replaced by T.
Protein change: p.Gln42Ter; replaces glutamine 42 with a stop codon.
Molecular consequence: nonsense.
Genome position (GRCh38, 1-based): chr19:41,410,652, C>T. VCF-style: chr19-41410652-C-T. GRCh37 (hg19) VCF-style: chr19-41916557-C-T.
Other names: c.124C>T (NM_000709.3); c.124C>T, p.Gln42Ter (NM_001164783.2); short protein forms Q42*.
Identifiers: ClinVar variation 3708125 (VCV003708125.3).

ClinVar aggregate classification (germline): Pathogenic/Likely pathogenic. Review status: criteria provided, multiple submitters, no conflicts (2 of 4 stars). 2 submissions from 2 submitters: Pathogenic (1); Likely pathogenic (1). Last evaluated 2024-12-20.

Conditions:
BCKDHA-related disorder. Also called: BCKDHA-related condition.
Maple syrup urine disease (MSUD). Identifiers: Orphanet 511, MedGen C0024776, MeSH D008375, MONDO:0009563. Disease mechanism: loss of function.

Submissions (2):

PreventionGenetics, part of Exact Sciences
Classification: Likely pathogenic for BCKDHA-related condition. Last evaluated: 2024-12-20. Review status: criteria provided, single submitter. Criteria: ACMG Guidelines, 2015. Collection method: clinical testing. Allele origin: germline.
Comment: The BCKDHA c.124C>T variant is predicted to result in premature protein termination (p.Gln42*). To our knowledge, this variant has not been reported in the literature or in a large population database (gnomAD), indicating this variant is rare. Nonsense variants in BCKDHA are expected to be pathogenic. This variant is interpreted as likely pathogenic.

Labcorp Genetics (formerly Invitae), Labcorp
Classification: Pathogenic for Maple syrup urine disease. Last evaluated: 2024-12-17. Review status: criteria provided, single submitter. Criteria: Invitae Variant Classification Sherloc (09022015). Collection method: clinical testing. Allele origin: germline.
Comment: This sequence change creates a premature translational stop signal (p.Gln42*) in the BCKDHA gene. It is expected to result in an absent or disrupted protein product. Loss-of-function variants in BCKDHA are known to be pathogenic (PMID: 16786533, 22593002). This variant is not present in population databases (gnomAD no frequency). This variant has not been reported in the literature in individuals affected with BCKDHA-related conditions. For these reasons, this variant has been classified as Pathogenic.

Literature cited by the submitters: PubMed 16786533 (cited by Labcorp Genetics (formerly Invitae), Labcorp); PubMed 22593002 (cited by Labcorp Genetics (formerly Invitae), Labcorp).